The following is an entry in ClinVar:

ClinVar aggregate classification (germline): Likely benign (0 of 4 stars; one submission).

Conditions:
CCAR2-related disorder. Also called: CCAR2-related condition.

Allele frequency attached by ClinVar (database versions not stated): gnomAD exomes 0.00002; ExAC 0.00013; gnomAD 0.00021; TOPMed 0.00025; ESP Exome Variant Server 0.00038.

Submission:

PreventionGenetics, part of Exact Sciences
Classification: Likely benign for CCAR2-related condition. Last evaluated: 2019-12-05. Review status: no assertion criteria provided. Collection method: clinical testing. Allele origin: germline.
Comment: This variant is classified as likely benign based on ACMG/AMP sequence variant interpretation guidelines (Richards et al. 2015 PMID: 25741868, with internal and published modifications).

NM_001393997.1(CCAR2):c.2541C>T (p.Phe847=)

Gene: CCAR2 (cell cycle and apoptosis regulator 2; plus strand). Cytogenetic location: 8p21.3.
Variant type: single nucleotide variant.
Coding change: c.2541C>T on transcript NM_001393997.1 (MANE Select); coding-DNA position 2541, C replaced by T.
Protein change: p.Phe847=; no amino-acid change (phenylalanine 847 retained).
Molecular consequence: synonymous variant.
Genome position (GRCh38, 1-based): chr8:22,619,169, C>T. VCF-style: chr8-22619169-C-T. GRCh37 (hg19) VCF-style: chr8-22476682-C-T.
Other names: c.2538C>T, p.Phe846= (NM_001363068.2, NM_001363069.2); c.2541C>T, p.Phe847= (NM_021174.6).
Identifiers: ClinVar variation 3048365 (VCV003048365.2), dbSNP rs148866061, ClinGen allele CA4671214.
Genomic context (GRCh38, chr8:22,619,169, plus strand): 5'-TTGATGGAGCAGCCGTCCCCGTTTCCTTCTCCACCTTGCAGAGGAGAGCCATAACCGTTT[C>T]TCAGCCACTGAAGTAACCAATAAGACGCTGGCGGCAGAGATGCAGGAGCTGCGAGTCCGG-3'
Protein context (NP_001380926.1, residues 837-857): ELKLEESHNR[Phe847=]SATEVTNKTL